The following is an entry in ClinVar:

NM_025114.4(CEP290):c.1079G>A (p.Arg360Gln)

Gene: CEP290 (centrosomal protein 290; minus strand). Cytogenetic location: 12q21.32.
Variant type: single nucleotide variant.
Coding change: c.1079G>A on transcript NM_025114.4 (MANE Select); coding-DNA position 1079, G replaced by A.
Protein change: p.Arg360Gln; replaces arginine 360 with glutamine.
Molecular consequence: missense variant.
Genome position (GRCh38, 1-based): chr12:88,125,356, C>T on the plus strand (G>A on the coding strand, the complement: CEP290 is on the minus strand). VCF-style: chr12-88125356-C-T. GRCh37 (hg19) VCF-style: chr12-88519133-C-T.
Other names: short protein forms R360Q.
Identifiers: ClinVar variation 166838 (VCV000166838.78), dbSNP rs188164241, ClinGen allele CA179860.
Genomic context (GRCh38, chr12:88,125,356, plus strand): 5'-TTTTCCATTTCTTTTGTATATTGTTCTACTTGTTCGGTGAGCATCTTAATTTGACTGTCT[C>T]GTTCCTGTATACCCTATAAAATATTTTAAAACAATATATATCCCTTCATGAATATTAACC-3'
Protein context (NP_079390.3, residues 350-370): VMALQQGIQE[Arg360Gln]DSQIKMLTEQ

ClinVar aggregate classification (germline): Conflicting classifications of pathogenicity. Review status: criteria provided, conflicting classifications (1 of 4 stars). 24 submissions from 17 submitters: Uncertain significance (11); Benign (1); Likely benign (11). 1 of the submissions does not count toward it. Last evaluated 2026-07-01.

Conditions:
Retinal dystrophy. Also called: Inherited retinal dystrophy. Identifiers: Orphanet 71862, MedGen C0854723, MeSH D058499, MONDO:0019118, HP:0000556.
Nephronophthisis. Also called: Juvenile Nephronophthisis. Identifiers: Orphanet 655, MedGen C0687120, MONDO:0019005, HP:0000090.
Joubert syndrome. Also called: JOUBERT-BOLTSHAUSER SYNDROME; Familial aplasia of the vermis. Identifiers: Orphanet 475, MedGen C5979921, MONDO:0018772.
Meckel-Gruber syndrome. Also called: Dysencephalia splachnocystica; DYSENCEPHALIA SPLANCHNOCYSTICA; GRUBER SYNDROME. Identifiers: Orphanet 564, MedGen C0265215, MONDO:0018921.
Joubert syndrome 1 (JBTS1). Also called: CEREBELLOPARENCHYMAL DISORDER IV; Cerebellooculorenal syndrome 1. Identifiers: MedGen C4551568, MONDO:0008944, OMIM 213300.
Leber congenital amaurosis (LCA). Also called: Leber's amaurosis. Identifiers: Orphanet 65, MedGen C0339527, MeSH D057130, MONDO:0018998.
Meckel syndrome, type 4 (MKS4). Also called: MECKEL-GRUBER SYNDROME, TYPE 4. Identifiers: Orphanet 564, MedGen C1970161, MONDO:0012626, OMIM 611134.
Atypical hemolytic-uremic syndrome. Identifiers: Orphanet 2134, MedGen C2931788, MONDO:0016244.
Bardet-Biedl syndrome 14 (BBS14). Identifiers: Orphanet 110, MedGen C2673874, MONDO:0014442, OMIM 615991.
Senior-Loken syndrome 6 (SLSN6). Identifiers: Orphanet 3156, MedGen C1857779, MONDO:0012433, OMIM 610189.
Leber congenital amaurosis 10 (LCA10). Identifiers: Orphanet 65, MedGen C1857821, MONDO:0012723, OMIM 611755.
Joubert syndrome 5 (JBTS5). Identifiers: Orphanet 2318, MedGen C1857780, MONDO:0012432, OMIM 610188.

Allele frequency attached by ClinVar (database versions not stated): 1000 Genomes Project 0.00120; gnomAD exomes 0.00505 and 0.00524; TOPMed 0.00308; gnomAD 0.00405 and 0.00394; ESP Exome Variant Server 0.00347; 1000 Genomes Project 30x 0.00141; ExAC 0.00302.

Submissions (24):

CeGaT Center for Human Genetics Tuebingen
Classification: Benign. Last evaluated: 2026-07-01. Review status: criteria provided, single submitter. Criteria: CeGaT Center For Human Genetics Tuebingen Variant Classification Criteria Version 2. Collection method: clinical testing. Allele origin: germline. Affected: yes. Observed: 17 variant alleles.
Comment: CEP290: BS1, BS2

Women's Health and Genetics/Laboratory Corporation of America, LabCorp
Classification: Likely benign. Last evaluated: 2026-04-15. Review status: criteria provided, single submitter. Criteria: LabCorp Variant Classification Summary - May 2015. Collection method: clinical testing. Allele origin: germline.
Comment: Variant summary: CEP290 c.1079G>A (p.Arg360Gln) results in a conservative amino acid change in the encoded protein sequence. Algorithms developed to predict the effect of missense changes on protein structure and function are either unavailable or do not agree on the potential impact of this missense change. The variant allele was found at a frequency of 0.0049 in 1312108 control chromosomes in the gnomAD database, including 22 homozygotes. The observed variant frequency exceeds the estimated maximal expected allele frequency for disease-causing variants in CEP290, providing supporting evidence for a benign role. c.1079G>A has been reported in the literature in two homozygous individuals affected with type 2 diabetes (Lim_2014) and in heterozygous individuals affected with Leber congenital amaurosis and left ventricular outflow defects (Haer-Wigman_2017, Watkins_2019). In addition, the variant has been reported in a cerebellar ataxia case along with another CEP290 pathogenic variant (Coutelier_2018) and in an individual affected with a rare disorder (exact phenotype not specified) in compound heterozygosity with a pathogenic variant (Stranneheim_2021). These reports do not provide unequivocal conclusions about association of the variant with CEP290-Related Disorders. These report(s) do not provide unequivocal conclusions about association of the variant with CEP290-Related Disorders. To our knowledge, no experimental evidence demonstrating an impact on protein function has been reported. The following publications have been ascertained in the context of this evaluation (PMID: 28224992, 29482223, 33726816, 34795310, 25439097, 31624253). ClinVar contains an entry for this variant (Variation ID: 166838). Based on the evidence outlined above, the variant was classified as likely benign.

Labcorp Genetics (formerly Invitae), Labcorp
Classification: Likely benign for Joubert syndrome; Meckel-Gruber syndrome; Nephronophthisis. Last evaluated: 2026-02-04. Review status: criteria provided, single submitter. Criteria: Invitae Variant Classification Sherloc (09022015). Collection method: clinical testing. Allele origin: germline.

Blueprint Genetics
Classification: Likely benign. Last evaluated: 2024-11-20. Review status: criteria provided, single submitter. Criteria: ACMG Guidelines, 2015. Collection method: clinical testing. Allele origin: germline.

Clinical Genetics and Genomics, Karolinska University Hospital
Classification: Likely benign for Meckel syndrome, type 4. Last evaluated: 2024-09-10. Review status: criteria provided, single submitter. Criteria: ACMG Guidelines, 2015. Collection method: clinical testing. Allele origin: germline. Affected: yes.
Comment: Common in public databases; MAF 1.4% i the European Finnish population and in total 10 homozygous individuals (gnomAD v4.1.0 non-UKB). The variant is found in compound heterozygsity together with a likely pathogenic variant p.Thr55Serfs*3 in CEP290.

ARUP Laboratories, Molecular Genetics and Genomics, ARUP Laboratories
Classification: Likely benign. Last evaluated: 2023-09-20. Review status: criteria provided, single submitter. Criteria: ARUP Molecular Germline Variant Investigation Process 2024. Collection method: clinical testing. Allele origin: germline.

Revvity Omics, Revvity
Classification: Uncertain significance. Last evaluated: 2022-06-23. Review status: criteria provided, single submitter. Criteria: ACMG Guidelines, 2015. Collection method: clinical testing. Allele origin: germline.

Institute of Human Genetics, Univ. Regensburg, Univ. Regensburg
Classification: Uncertain significance for Retinal dystrophy. Last evaluated: 2022-01-01. Review status: criteria provided, single submitter. Criteria: ACMG Guidelines, 2015. Collection method: clinical testing. Allele origin: germline. Affected: yes.

Genome-Nilou Lab
Classification: Uncertain significance for Bardet-Biedl syndrome 14. Last evaluated: 2021-07-14. Review status: criteria provided, single submitter. Criteria: ACMG Guidelines, 2015. Collection method: clinical testing. Allele origin: germline. Affected: no.

Genome-Nilou Lab
Classification: Uncertain significance for Joubert syndrome 5. Last evaluated: 2021-07-14. Review status: criteria provided, single submitter. Criteria: ACMG Guidelines, 2015. Collection method: clinical testing. Allele origin: germline. Affected: no.

Genome-Nilou Lab
Classification: Uncertain significance for Meckel syndrome, type 4. Last evaluated: 2021-07-14. Review status: criteria provided, single submitter. Criteria: ACMG Guidelines, 2015. Collection method: clinical testing. Allele origin: germline. Affected: no.

Genome-Nilou Lab
Classification: Uncertain significance for Senior-Loken syndrome 6. Last evaluated: 2021-07-14. Review status: criteria provided, single submitter. Criteria: ACMG Guidelines, 2015. Collection method: clinical testing. Allele origin: germline. Affected: no.

Genetic Services Laboratory, University of Chicago
Classification: Likely benign. Last evaluated: 2019-08-16. Review status: criteria provided, single submitter. Criteria: ACMG Guidelines, 2015. Collection method: clinical testing. Allele origin: germline. Affected: no.

Mendelics
Classification: Likely benign for Joubert syndrome 1. Last evaluated: 2019-05-28. Review status: criteria provided, single submitter. Criteria: Mendelics Assertion Criteria 2017. Collection method: clinical testing. Allele origin: unknown.

Illumina Laboratory Services, Illumina
Classification: Uncertain significance for Bardet-Biedl syndrome 14. Last evaluated: 2018-01-13. Review status: criteria provided, single submitter. Criteria: ICSL Variant Classification Criteria 13 December 2019. Collection method: clinical testing. Allele origin: germline.

Illumina Laboratory Services, Illumina
Classification: Uncertain significance for Meckel syndrome, type 4. Last evaluated: 2018-01-13. Review status: criteria provided, single submitter. Criteria: ICSL Variant Classification Criteria 13 December 2019. Collection method: clinical testing. Allele origin: germline.

Illumina Laboratory Services, Illumina
Classification: Likely benign for Senior-Loken syndrome 6. Last evaluated: 2018-01-13. Review status: criteria provided, single submitter. Criteria: ICSL Variant Classification Criteria 13 December 2019. Collection method: clinical testing. Allele origin: germline.
Comment: This variant was observed in the ICSL laboratory as part of a predisposition screen in an ostensibly healthy population. It had not been previously curated by ICSL or reported in the Human Gene Mutation Database (HGMD: prior to June 1st, 2018), and was therefore a candidate for classification through an automated scoring system. Utilizing variant allele frequency, disease prevalence and penetrance estimates, and inheritance mode, an automated score was calculated to assess if this variant is too frequent to cause the disease. Based on the score and internal cut-off values, a variant classified as likely benign is not then subjected to further curation. The score for this variant resulted in a classification of likely benign for this disease.

Illumina Laboratory Services, Illumina
Classification: Uncertain significance for Joubert syndrome 5. Last evaluated: 2018-01-13. Review status: criteria provided, single submitter. Criteria: ICSL Variant Classification Criteria 13 December 2019. Collection method: clinical testing. Allele origin: germline.

Illumina Laboratory Services, Illumina
Classification: Uncertain significance for Leber congenital amaurosis 10. Last evaluated: 2018-01-13. Review status: criteria provided, single submitter. Criteria: ICSL Variant Classification Criteria 13 December 2019. Collection method: clinical testing. Allele origin: germline.

GeneDx
Classification: Likely benign. Last evaluated: 2017-11-06. Review status: criteria provided, single submitter. Criteria: GeneDx Variant Classification (06012015). Collection method: clinical testing. Allele origin: germline. Affected: yes.
Comment: This variant is considered likely benign or benign based on one or more of the following criteria: it is a conservative change, it occurs at a poorly conserved position in the protein, it is predicted to be benign by multiple in silico algorithms, and/or has population frequency not consistent with disease.

Genome Diagnostics Laboratory, The Hospital for Sick Children
Classification: Uncertain significance for Atypical hemolytic-uremic syndrome. Last evaluated: 2017-08-17. Review status: criteria provided, single submitter. Criteria: ACMG Guidelines, 2015. Collection method: clinical testing. Allele origin: germline.

Eurofins Ntd Llc (ga)
Classification: Likely benign. Last evaluated: 2015-02-10. Review status: criteria provided, single submitter. Criteria: EGL Classification Definitions 2015. Collection method: clinical testing. Allele origin: germline. Observed: 5 variant alleles, 5 heterozygotes.

PreventionGenetics, part of Exact Sciences
Classification: Likely benign. Review status: criteria provided, single submitter. Criteria: ACMG Guidelines, 2015. Collection method: clinical testing. Allele origin: germline.

Natera, Inc.
Classification: Likely benign for Leber congenital amaurosis. Last evaluated: 2020-04-17. Review status: no assertion criteria provided. Collection method: clinical testing. Allele origin: germline. Not counted in ClinVar's aggregate classification.

Literature cited by the submitters: PubMed 28224992 (cited by Women's Health and Genetics/Laboratory Corporation of America, LabCorp and Institute of Human Genetics, Univ. Regensburg, Univ. Regensburg); PubMed 29482223 (cited by Women's Health and Genetics/Laboratory Corporation of America, LabCorp and Institute of Human Genetics, Univ. Regensburg, Univ. Regensburg); PubMed 33726816 (cited by Women's Health and Genetics/Laboratory Corporation of America, LabCorp and Institute of Human Genetics, Univ. Regensburg, Univ. Regensburg); PubMed 34795310 (cited by Women's Health and Genetics/Laboratory Corporation of America, LabCorp); PubMed 25439097 (cited by Women's Health and Genetics/Laboratory Corporation of America, LabCorp); PubMed 31624253 (cited by Women's Health and Genetics/Laboratory Corporation of America, LabCorp); PubMed 34426522 (cited by Institute of Human Genetics, Univ. Regensburg, Univ. Regensburg).